The following is an entry in ClinVar:

ClinVar aggregate classification (germline): Likely benign. Review status: criteria provided, multiple submitters, no conflicts (2 of 4 stars). 3 submissions from 3 submitters: Likely benign (2). 1 of the submissions does not count toward it. Last evaluated 2026-09-01.

Conditions:
ANK3-related disorder. Also called: ANK3-related condition.

Allele frequency attached by ClinVar (database versions not stated): ExAC 0.00065; gnomAD 0.00216; ESP Exome Variant Server 0.00231; 1000 Genomes Project 0.00240; 1000 Genomes Project 30x 0.00328.
gnomAD v4.1: 576 of 1,614,256 alleles (0.036%); highest among the groups gnomAD compares: African/African-American, 0.66%; 1 homozygote.

Submissions (3):

CeGaT Center for Human Genetics Tuebingen
Classification: Likely benign. Last evaluated: 2026-09-01. Review status: criteria provided, single submitter. Criteria: CeGaT Center For Human Genetics Tuebingen Variant Classification Criteria Version 2. Collection method: clinical testing. Allele origin: germline. Affected: yes. Observed: 2 variant alleles.
Comment: ANK3: BP4, BP7

Blueprint Genetics
Classification: Likely benign. Last evaluated: 2024-07-18. Review status: criteria provided, single submitter. Criteria: ACMG Guidelines, 2015. Collection method: clinical testing. Allele origin: germline.

PreventionGenetics, part of Exact Sciences
Classification: Benign for ANK3-related condition. Last evaluated: 2021-08-24. Review status: no assertion criteria provided. Collection method: clinical testing. Allele origin: germline. Not counted in ClinVar's aggregate classification.
Comment: This variant is classified as benign based on ACMG/AMP sequence variant interpretation guidelines (Richards et al. 2015 PMID: 25741868, with internal and published modifications).

NM_020987.5(ANK3):c.12596-377T>C

Gene: ANK3 (ankyrin 3; minus strand). Cytogenetic location: 10q21.2.
Variant type: single nucleotide variant.
Coding change: c.12596-377T>C on transcript NM_020987.5 (MANE Select); 377 bases into the intron before coding-DNA position 12596, T replaced by C.
Molecular consequence: intron variant. On other transcripts: synonymous variant (4).
Genome position (GRCh38, 1-based): chr10:60,059,807, A>G on the plus strand (T>C on the coding strand, the complement: ANK3 is on the minus strand). VCF-style: chr10-60059807-A-G. GRCh37 (hg19) VCF-style: chr10-61819565-A-G.
Other names: c.2358T>C, p.Thr786= (NM_001149.4); c.4938T>C, p.Thr1646= (NM_001204403.2); c.4959T>C, p.Thr1653= (NM_001204404.2); c.4956T>C, p.Thr1652= (NM_001320874.2).
Identifiers: ClinVar variation 3034395 (VCV003034395.5), dbSNP rs151278674, ClinGen allele CA5510803.